The following is an entry in ClinVar:

NM_000548.5(TSC2):c.3028C>G (p.Gln1010Glu)

Gene: TSC2 (TSC complex subunit 2; plus strand). Cytogenetic location: 16p13.3.
Variant type: single nucleotide variant.
Coding change: c.3028C>G on transcript NM_000548.5 (MANE Select); coding-DNA position 3028, C replaced by G.
Protein change: p.Gln1010Glu; replaces glutamine 1010 with glutamic acid.
Molecular consequence: missense variant.
Genome position (GRCh38, 1-based): chr16:2,079,093, C>G. VCF-style: chr16-2079093-C-G. GRCh37 (hg19) VCF-style: chr16-2129094-C-G.
Other names: c.2896C>G, p.Gln966Glu (NM_001077183.3, NM_001370404.1); c.3028C>G, p.Gln1010Glu (NM_001114382.3); c.2788C>G, p.Gln930Glu (NM_001318827.2); c.2752C>G, p.Gln918Glu (NM_001318829.2); c.2296C>G, p.Gln766Glu (NM_001318831.2); c.2929C>G, p.Gln977Glu (NM_001318832.2); c.2899C>G, p.Gln967Glu (NM_001363528.2, NM_001370405.1, NM_021055.3); c.3028C>G (NM_000548.4); short protein forms Q1010E, Q930E, Q966E, Q967E, Q766E, Q918E, Q977E.
Identifiers: ClinVar variation 238007 (VCV000238007.24), dbSNP rs45514100, ClinGen allele CA044006.

ClinVar aggregate classification (germline): Conflicting classifications of pathogenicity. Review status: criteria provided, conflicting classifications (1 of 4 stars). 7 submissions from 7 submitters: Uncertain significance (4); Likely benign (3). Last evaluated 2026-04-07.

Conditions:
Hereditary cancer-predisposing syndrome. Also called: Neoplastic Syndromes, Hereditary; Hereditary Cancer Syndrome; Tumor predisposition; Hereditary neoplastic syndrome. Identifiers: Orphanet 140162, MedGen C0027672, MeSH D009386, MONDO:0015356.
Tuberous sclerosis syndrome (TSC). Also called: Tuberous Sclerosis Complex; Tuberous sclerosis. Identifiers: Orphanet 805, MedGen C0041341, MONDO:0001734.
Tuberous sclerosis 2 (TSC2). Identifiers: Orphanet 805, MedGen C1860707, MONDO:0013199, OMIM 613254.

Allele frequency attached by ClinVar (database versions not stated): TOPMed 0.00001; ESP Exome Variant Server 0.00008; gnomAD 0.00002; gnomAD exomes below 0.00001; ExAC 0.00001.
gnomAD v4.1: 3 of 1,612,924 alleles (0.00019%); highest among the groups gnomAD compares: African/African-American, 0.0013%; no homozygotes.

Submissions (7):

Ambry Genetics
Classification: Likely benign for Hereditary cancer-predisposing syndrome. Last evaluated: 2026-04-07. Review status: criteria provided, single submitter. Criteria: Ambry Variant Classification Scheme 2023. Collection method: clinical testing. Allele origin: germline.

Labcorp Genetics (formerly Invitae), Labcorp
Classification: Likely benign for Tuberous sclerosis 2. Last evaluated: 2025-12-24. Review status: criteria provided, single submitter. Criteria: Invitae Variant Classification Sherloc (09022015). Collection method: clinical testing. Allele origin: germline.

All of Us Research Program, National Institutes of Health
Classification: Uncertain significance for Tuberous sclerosis syndrome. Last evaluated: 2024-08-23. Review status: criteria provided, single submitter. Criteria: ACMG Guidelines, 2015. Collection method: clinical testing. Allele origin: germline. Inheritance: Autosomal dominant inheritance. Observed: 6 variant alleles, 6 heterozygotes.
Comment: This missense variant replaces glutamine with glutamic acid at codon 1010 of the TSC2 protein. Computational prediction is inconclusive regarding the impact of this variant on protein structure and function (internally defined REVEL score threshold 0.5 < inconclusive < 0.7, PMID: 27666373). To our knowledge, functional studies have not been reported for this variant. This variant has not been reported in individuals affected with tuberous sclerosis complex in the literature. This variant has been identified in 2/281892 chromosomes in the general population by the Genome Aggregation Database (gnomAD). The available evidence is insufficient to determine the role of this variant in disease conclusively. Therefore, this variant is classified as a Variant of Uncertain Significance.

This study involves interpretation of variants in research participants for the purpose of population health screening. Participant phenotype was not available at the time of variant classification. Additional details can be found in publication PMID: 35346344, PMCID: PMC8962531

Johns Hopkins Genomics, Johns Hopkins University
Classification: Uncertain significance for Tuberous sclerosis 2. Last evaluated: 2024-08-06. Review status: criteria provided, single submitter. Criteria: ACMG Guidelines, 2015. Collection method: clinical testing. Allele origin: germline.
Comment: This TSC2 missense variant (rs45514100) is rare (<0.1%) in a large population dataset (gnomAD v4.1.0: 3/1612924 total alleles; 0.0002%; no homozygotes). It has been reported in ClinVar (Variation ID 238007), but has not been reported in the literature, to our knowledge. Of two bioinformatics tools queried, one predicts that the substitution would be damaging, while the other predicts that it would be tolerated, and the glutamine residue at this position is evolutionarily conserved in all but one of the species assessed. We consider the clinical significance of c.3028C>G in TSC2 to be uncertain at this time.

Color Diagnostics, LLC DBA Color Health
Classification: Uncertain significance for Tuberous sclerosis syndrome. Last evaluated: 2024-03-06. Review status: criteria provided, single submitter. Criteria: ACMG Guidelines, 2015. Collection method: clinical testing. Allele origin: germline.
Comment: This missense variant replaces glutamine with glutamic acid at codon 1010 of the TSC2 protein. Computational prediction is inconclusive regarding the impact of this variant on protein structure and function. To our knowledge, functional studies have not been reported for this variant. This variant has not been reported in individuals affected with tuberous sclerosis complex in the literature. This variant has been identified in 2/281892 chromosomes in the general population by the Genome Aggregation Database (gnomAD). The available evidence is insufficient to determine the role of this variant in disease conclusively. Therefore, this variant is classified as a Variant of Uncertain Significance.

Genome-Nilou Lab
Classification: Likely benign for Tuberous sclerosis 2. Last evaluated: 2021-11-07. Review status: criteria provided, single submitter. Criteria: ACMG Guidelines, 2015. Collection method: clinical testing. Allele origin: germline. Affected: no.

GeneDx
Classification: Uncertain significance. Last evaluated: 2019-11-14. Review status: criteria provided, single submitter. Criteria: GeneDx Variant Classification Process June 2021. Collection method: clinical testing. Allele origin: germline. Affected: yes.
Comment: In silico analysis, which includes protein predictors and evolutionary conservation, supports that this variant does not alter protein structure/function; Has not been previously published as pathogenic or benign to our knowledge

Literature cited by the submitters: PubMed 31655562 (cited by Johns Hopkins Genomics, Johns Hopkins University).